The following is an entry in ClinVar:

NM_001999.4(FBN2):c.4555G>A (p.Asp1519Asn)

Gene: FBN2 (fibrillin 2; minus strand). Cytogenetic location: 5q23.3.
Variant type: single nucleotide variant.
Coding change: c.4555G>A on transcript NM_001999.4 (MANE Select); coding-DNA position 4555, G replaced by A.
Protein change: p.Asp1519Asn; replaces aspartic acid 1519 with asparagine.
Molecular consequence: missense variant.
Genome position (GRCh38, 1-based): chr5:128,318,918, C>T on the plus strand (G>A on the coding strand, the complement: FBN2 is on the minus strand). VCF-style: chr5-128318918-C-T. GRCh37 (hg19) VCF-style: chr5-127654610-C-T.
Other names: short protein forms D1519N.
Identifiers: ClinVar variation 4023459 (VCV004023459.1).
Genomic context (GRCh38, chr5:128,318,918, plus strand): 5'-TTAGCTGGTAACTGACCATACCTGTACAGTTCCCTCCTGTTCTGTCCAATTCATAACCAT[C>T]ATCGCAGATGCAATGAAACATTCCAGGCAGGTTATTACATGTTCCAAAGACACAAATGTT-3'
Protein context (NP_001990.2, residues 1509-1529): LPGMFHCICD[Asp1519Asn]GYELDRTGGN

ClinVar aggregate classification (germline): Uncertain significance (1 of 4 stars; one submission).

Conditions:
Familial thoracic aortic aneurysm and aortic dissection (TAAD). Also called: Thoracic aortic aneurysms and dissections. Identifiers: Orphanet 91387, MedGen C4707243, MONDO:0019625.

gnomAD v4.1: 2 of 1,613,292 alleles (0.00012%); highest among the groups gnomAD compares: Admixed American, 0.0033%; no homozygotes.

Submission:

Ambry Genetics
Classification: Uncertain significance for Familial thoracic aortic aneurysm and aortic dissection. Last evaluated: 2025-05-12. Review status: criteria provided, single submitter. Criteria: Ambry Variant Classification Scheme 2023. Collection method: clinical testing. Allele origin: germline.
Comment: The p.D1519N variant (also known as c.4555G>A), located in coding exon 35 of the FBN2 gene, results from a G to A substitution at nucleotide position 4555. The aspartic acid at codon 1519 is replaced by asparagine, an amino acid with highly similar properties. This amino acid position is not well conserved in available vertebrate species. In addition, this alteration is predicted to be tolerated by in silico analysis. Based on the available evidence, the clinical significance of this variant remains unclear.